The following is an entry in ClinVar:

ClinVar aggregate classification (germline): Likely pathogenic. Review status: reviewed by expert panel (3 of 4 stars). 4 submissions from 4 submitters: Likely pathogenic (1). 3 of the submissions do not count toward it. Last evaluated 2024-04-22.

Conditions:
Mitochondrial disease. Also called: Mitochondrial disorder; Mitochondrial disorders. Identifiers: Orphanet 68380, MedGen C0751651, MeSH D028361, MONDO:0044970.
MELAS syndrome (MELAS). Also called: Juvenile myopathy, encephalopathy, lactic acidosis, stroke. Identifiers: Orphanet 550, MedGen C0162671, MONDO:0010789, OMIM 540000.
Progressive external ophthalmoplegia, proximal myopathy, and sudden death. Identifiers: MedGen C4016616.

Submissions (4):

ClinGen Mitochondrial Disease Nuclear and Mitochondrial  Variant Curation Expert Panel, ClinGen
Classification: Likely pathogenic for Mitochondrial disease. Last evaluated: 2024-04-22. Review status: reviewed by expert panel. Criteria: clingen mito disease acmg specifications v1-1. Collection method: curation. Allele origin: germline. Inheritance: Mitochondrial inheritance.
Comment: The m.3251A>G variant in MT-TL1 has been reported in four unrelated individuals with primary mitochondrial disease to date. Age of onset ranged from the first decade of life to adulthood and clinical features in affected individuals were variably consistent with chronic progressive external ophthalmoplegia (CPEO), myoclonic epilepsy with ragged red fibers (MERRF), mitochondrial encephalomyopathy with lactic acidosis and stroke-like episodes (MELAS), and early death. Heteroplasmy ranged from 13-95% in affected individuals (PS4_moderate; PMIDs: 8265770, 38465286, 8786060, 30837005). This variant segregated with clinical manifestations in one family with CPEO, progressive muscle weakness, and early death. The variant was present in the proband at 81% in muscle and 13% in blood and was present in maternal cousins at heteroplasmy levels of 25-16% (PP1; PMID: 8265770). There are no reported de novo occurrences of this variant to our knowledge. This variant is absent in the GenBank dataset, Helix dataset, and gnomAD v3.1.2 (PM2_supporting). Computational predictors are conflicting (MitoTIP: 43.5%; HmtVAR: 0.75). Single fiber testing showed higher levels of the variant in COX-negative fibers (61%, range 15-88%) than in COX-positive fibers (28%, range 3%-86%; p<0.001; PS3_supporting, PMID: 8786060). There is additional evidence showing deleterious effects of this variant on the tRNA (PMID: 33380464). In summary, this variant meets criteria to be classified as uncertain significance for primary mitochondrial disease however, after extensive discussion, this Expert Panel elected to modify the classification to likely pathogenic given the compelling functional validation and consistent phenotype observed in reported cases. This classification was approved by the NICHD/NINDS U24 ClinGen Mitochondrial Disease Variant Curation Expert Panel on April 22, 2024. Mitochondrial DNA-specific ACMG/AMP criteria applied (PMID: 32906214): PS4_moderate, PP1, PM2_supporting, PS3_supporting.

Mendelics
Classification: Pathogenic for MELAS syndrome. Last evaluated: 2022-05-04. Review status: criteria provided, single submitter. Criteria: Mendelics Assertion Criteria 2019. Collection method: clinical testing. Allele origin: germline. Not counted in ClinVar's aggregate classification.

Wong Mito Lab, Molecular and Human Genetics, Baylor College of Medicine
Classification: Pathogenic for MELAS syndrome. Last evaluated: 2019-07-12. Review status: criteria provided, single submitter. Criteria: Modified ACMG Guidelines (Unpublished). Collection method: clinical testing. Allele origin: germline. Not counted in ClinVar's aggregate classification.
Comment: The NC_012920.1:m.3251A>G variant in MT-TL1 gene is interpreted to be a Pathogenic variant based on the modified ACMG guidelines (unpublished). This variant meets the following evidence codes reported in the guidelines: PS3, PM8, PM9, PP4, PP6

OMIM
Classification: Pathogenic for PROGRESSIVE EXTERNAL OPHTHALMOPLEGIA, PROXIMAL MYOPATHY, AND SUDDEN DEATH. Last evaluated: 1996-03-01. Review status: no assertion criteria provided. Collection method: literature only. Allele origin: germline. Not counted in ClinVar's aggregate classification.

Literature cited by the submitters: PubMed 31965079 (cited by Wong Mito Lab, Molecular and Human Genetics, Baylor College of Medicine); PubMed 8265770 (cited by Wong Mito Lab, Molecular and Human Genetics, Baylor College of Medicine and OMIM); PubMed 8786060 (cited by Wong Mito Lab, Molecular and Human Genetics, Baylor College of Medicine and OMIM).

NC_012920.1(MT-TL1):m.3251A>G

Gene: MT-TL1 (mitochondrially encoded tRNA leucine 1 (UUA/G); plus strand).
Variant type: single nucleotide variant.
Genome position: chrM-3251-A-G.
Other names: 3251A-G.
Identifiers: ClinVar variation 9595 (VCV000009595.4), dbSNP rs199474662, ClinGen allele CA120565.